The following is an entry in ClinVar:

ClinVar aggregate classification (germline): Benign. Review status: criteria provided, single submitter (1 of 4 stars). 2 submissions from 1 submitter: Benign (2). Last evaluated 2018-01-12.

Conditions:
Susceptibility to mononeuropathy of the median nerve, mild. Also called: CARPAL TUNNEL SYNDROME, SUSCEPTIBILITY TO. Identifiers: MedGen C3150596, MONDO:0013237, OMIM 613353.
Charcot-Marie-Tooth disease type 4C (CMT4C). Also called: CHARCOT-MARIE-TOOTH DISEASE, DEMYELINATING, AUTOSOMAL RECESSIVE, TYPE 4C; CMT 4C; Charcot-Marie-Tooth Neuropathy Type 4C (CMT4C); CHARCOT-MARIE-TOOTH DISEASE, DEMYELINATING, TYPE 4C; SH3TC2-Related Hereditary Motor and Sensory Neuropathy. Identifiers: Orphanet 99949, MedGen C1866636, MONDO:0011113, OMIM 601596.

Allele frequency attached by ClinVar (database versions not stated): TOPMed 0.15360; 1000 Genomes Project 30x 0.15865; 1000 Genomes Project 0.16134; gnomAD 0.16394 and 0.16711.
gnomAD v4.1: 25,444 of 151,926 alleles (17%); highest among the groups gnomAD compares: East Asian, 24%; 2,473 homozygotes.

Submissions (2):

Illumina Laboratory Services, Illumina
Classification: Benign for Charcot-Marie-Tooth disease type 4C. Last evaluated: 2018-01-12. Review status: criteria provided, single submitter. Criteria: ICSL Variant Classification Criteria 13 December 2019. Collection method: clinical testing. Allele origin: germline.
Comment: This variant was observed in the ICSL laboratory as part of a predisposition screen in an ostensibly healthy population. It had not been previously curated by ICSL or reported in the Human Gene Mutation Database (HGMD: prior to June 1st, 2018), and was therefore a candidate for classification through an automated scoring system. Utilizing variant allele frequency, disease prevalence and penetrance estimates, and inheritance mode, an automated score was calculated to assess if this variant is too frequent to cause the disease. Based on the score and internal cut-off values, a variant classified as benign is not then subjected to further curation. The score for this variant resulted in a classification of benign for this disease.

Illumina Laboratory Services, Illumina
Classification: Benign for Susceptibility to mononeuropathy of the median nerve, mild. Last evaluated: 2018-01-12. Review status: criteria provided, single submitter. Criteria: ICSL Variant Classification Criteria 13 December 2019. Collection method: clinical testing. Allele origin: germline.
Comment: the same text as in the submission from Illumina Laboratory Services, Illumina above.

NM_024577.4(SH3TC2):c.*20463T>C

Genes: SH3TC2 (SH3 domain and tetratricopeptide repeats 2; minus strand), LOC126807546 (P300/CBP strongly-dependent group 1 enhancer GRCh37_chr5:148363540-148364739; plus strand). Cytogenetic location: 5q32.
Variant type: single nucleotide variant.
Coding change: c.*20463T>C on transcript NM_024577.4 (MANE Select); 20463 bases downstream of the stop codon, T replaced by C.
Molecular consequence: 3 prime UTR variant.
Genome position (GRCh38, 1-based): chr5:148,984,248, A>G on the plus strand (T>C on the coding strand, the complement: SH3TC2 is on the minus strand). VCF-style: chr5-148984248-A-G. GRCh37 (hg19) VCF-style: chr5-148363811-A-G.
Identifiers: ClinVar variation 351587 (VCV000351587.5), dbSNP rs77021631, ClinGen allele CA10623272.